The following is an entry in ClinVar:

ClinVar aggregate classification (germline): Uncertain significance (1 of 4 stars; one submission).

gnomAD v4.1: 26 of 1,613,440 alleles (0.0016%); highest among the groups gnomAD compares: Admixed American, 0.013%; no homozygotes.

Submission:

Ambry Genetics
Classification: Uncertain significance. Last evaluated: 2026-05-14. Review status: criteria provided, single submitter. Criteria: Ambry Variant Classification Scheme 2023. Collection method: clinical testing. Allele origin: germline.
Comment: The c.2744A>C (p.Y915S) alteration is located in exon 17 (coding exon 17) of the DMXL1 gene. This alteration results from a A to C substitution at nucleotide position 2744, causing the tyrosine (Y) at amino acid position 915 to be replaced by a serine (S). Based on data from gnomAD, the C allele has an overall frequency of 0.002% (6/250916) total alleles studied. The highest observed frequency was 0.009% (3/34456) of Latino alleles. Based on insufficient or conflicting evidence, the clinical significance of this alteration remains unclear.

NM_001290321.3(DMXL1):c.2744A>C (p.Tyr915Ser)

Gene: DMXL1 (Dmx like 1; plus strand). Cytogenetic location: 5q23.1.
Variant type: single nucleotide variant.
Coding change: c.2744A>C on transcript NM_001290321.3 (MANE Select); coding-DNA position 2744, A replaced by C.
Protein change: p.Tyr915Ser; replaces tyrosine 915 with serine.
Molecular consequence: missense variant. On other transcripts: non-coding transcript variant (3), intron variant (1).
Genome position (GRCh38, 1-based): chr5:119,147,303, A>C. VCF-style: chr5-119147303-A-C. GRCh37 (hg19) VCF-style: chr5-118482998-A-C.
Other names: c.2744A>C, p.Tyr915Ser (NM_001349239.2, NM_001349240.2, NM_001387933.1 and 2 more transcripts); c.2039A>C, p.Tyr680Ser (NM_001387937.1); c.1925-1436A>C (NM_001387938.1); short protein forms Y680S, Y915S.
Identifiers: ClinVar variation 4869892 (VCV004869892.1).